The following is an entry in ClinVar:

ClinVar aggregate classification (germline): Uncertain significance. Review status: criteria provided, multiple submitters, no conflicts (2 of 4 stars). 7 submissions from 5 submitters: Uncertain significance (7). Last evaluated 2026-03-10.

Conditions:
NPHP1-related disorder. Also called: NPHP1-related disorders; NPHP1-related condition.
Joubert syndrome with renal defect. Also called: JOUBERT SYNDROME 4. Identifiers: Orphanet 220497, MedGen C1846790, MONDO:0012308, OMIM 609583.
Nephronophthisis 1 (NPHP1). Also called: Nephronophthisis familial juvenile. Identifiers: Orphanet 655, Orphanet 93592, MedGen C1855681, MONDO:0009728, OMIM 256100.
Senior-Loken syndrome 1 (SLSN1). Also called: JUVENILE NEPHRONOPHTHISIS WITH LEBER AMAUROSIS. Identifiers: Orphanet 3156, MedGen C4551559, MONDO:0009962, OMIM 266900.
Nephronophthisis. Also called: Juvenile Nephronophthisis. Identifiers: Orphanet 655, MedGen C0687120, MONDO:0019005, HP:0000090.

Allele frequency attached by ClinVar (database versions not stated): TOPMed 0.00016; gnomAD 0.00017 and 0.00018; gnomAD exomes 0.00037; ESP Exome Variant Server 0.00054.
gnomAD v4.1: 552 of 1,612,702 alleles (0.034%); highest among the groups gnomAD compares: Non-Finnish European, 0.042%; no homozygotes.

Submissions (7):

PreventionGenetics, part of Exact Sciences
Classification: Uncertain significance for NPHP1-related condition. Last evaluated: 2026-03-10. Review status: criteria provided, single submitter. Criteria: ACMG Guidelines, 2015. Collection method: clinical testing. Allele origin: germline.
Comment: The NPHP1 c.1889C>T variant is predicted to result in the amino acid substitution p.Ser630Leu. To our knowledge, this variant has not been reported in the literature in individuals with NPHP1-related phenotypes. This variant is reported in 0.077% of alleles in individuals of Ashkenazi Jewish descent in gnomAD, which is likely too frequent to be a primary cause of disease. Although we suspect that this variant may be benign, the clinical significance of this variant is classified as uncertain at this time due to insufficient functional and genetic evidence.

Blueprint Genetics
Classification: Uncertain significance. Last evaluated: 2024-02-09. Review status: criteria provided, single submitter. Criteria: ACMG Guidelines, 2015. Collection method: clinical testing. Allele origin: germline.

Fulgent Genetics
Classification: Uncertain significance for Nephronophthisis 1; Senior-Loken syndrome 1; Joubert syndrome with renal defect. Last evaluated: 2023-12-28. Review status: criteria provided, single submitter. Criteria: ACMG Guidelines, 2015. Collection method: clinical testing. Allele origin: germline.

Labcorp Genetics (formerly Invitae), Labcorp
Classification: Uncertain significance for Nephronophthisis. Last evaluated: 2022-09-06. Review status: criteria provided, single submitter. Criteria: Invitae Variant Classification Sherloc (09022015). Collection method: clinical testing. Allele origin: germline.
Comment: This sequence change replaces serine, which is neutral and polar, with leucine, which is neutral and non-polar, at codon 630 of the NPHP1 protein (p.Ser630Leu). This variant is present in population databases (rs138181219, gnomAD 0.08%). This variant has not been reported in the literature in individuals affected with NPHP1-related conditions. ClinVar contains an entry for this variant (Variation ID: 330728). Algorithms developed to predict the effect of missense changes on protein structure and function are either unavailable or do not agree on the potential impact of this missense change (SIFT: "Tolerated"; PolyPhen-2: "Possibly Damaging"; Align-GVGD: "Class C0"). In summary, the available evidence is currently insufficient to determine the role of this variant in disease. Therefore, it has been classified as a Variant of Uncertain Significance.

Illumina Laboratory Services, Illumina
Classification: Uncertain significance for Senior-Loken syndrome 1. Last evaluated: 2018-01-13. Review status: criteria provided, single submitter. Criteria: ICSL Variant Classification Criteria 13 December 2019. Collection method: clinical testing. Allele origin: germline.

Illumina Laboratory Services, Illumina
Classification: Uncertain significance for Joubert syndrome with renal defect. Last evaluated: 2018-01-13. Review status: criteria provided, single submitter. Criteria: ICSL Variant Classification Criteria 13 December 2019. Collection method: clinical testing. Allele origin: germline.

Illumina Laboratory Services, Illumina
Classification: Uncertain significance for Nephronophthisis 1. Last evaluated: 2018-01-13. Review status: criteria provided, single submitter. Criteria: ICSL Variant Classification Criteria 13 December 2019. Collection method: clinical testing. Allele origin: germline.

NM_001128178.3(NPHP1):c.1721C>T (p.Ser574Leu)

Gene: NPHP1 (nephrocystin 1; minus strand). Cytogenetic location: 2q13.
Variant type: single nucleotide variant.
Coding change: c.1721C>T on transcript NM_001128178.3 (MANE Select); coding-DNA position 1721, C replaced by T.
Protein change: p.Ser574Leu; replaces serine 574 with leucine.
Molecular consequence: missense variant.
Genome position (GRCh38, 1-based): chr2:110,125,677, G>A on the plus strand (C>T on the coding strand, the complement: NPHP1 is on the minus strand). VCF-style: chr2-110125677-G-A. GRCh37 (hg19) VCF-style: chr2-110883254-G-A.
Other names: c.1889C>T, p.Ser630Leu (NM_000272.5); c.1532C>T, p.Ser511Leu (NM_001128179.3); c.1718C>T, p.Ser573Leu (NM_001374256.1); c.1721C>T, p.Ser574Leu (NM_001374257.1); c.1886C>T, p.Ser629Leu (NM_207181.4); c.1889C>T (NM_000272.4); short protein forms S630L, S511L, S629L, S574L, S573L.
Identifiers: ClinVar variation 330728 (VCV000330728.14), dbSNP rs138181219, ClinGen allele CA1826911.
Genomic context (GRCh38, chr2:110,125,677, plus strand): 5'-TGTGGAGACTCATATTTTACCTTCTCTGATCTTTTTAATGTGCTTTCTTTTCCAGCCCAC[G>A]AACTCTAAAGAGCAAACAGAAATATTATGTTAGTCCAAGTAGTAACAAGTCCTTGCAACA-3'
Protein context (NP_001121650.1, residues 564-584): QPDVMDALRS[Ser574Leu]WAGKESTLKR